The following is an entry in ClinVar:

ClinVar aggregate classification (germline): Uncertain significance. Review status: criteria provided, multiple submitters, no conflicts (2 of 4 stars). 7 submissions from 7 submitters: Uncertain significance (7). Last evaluated 2025-09-03.

Conditions:
PEX11B-related disorder. Also called: PEX11B-related condition.
Peroxisome biogenesis disorder 14B (PEX14B). Identifiers: Orphanet 44, MedGen C3554055, MONDO:0013967, OMIM 614920.

Allele frequency attached by ClinVar (database versions not stated): gnomAD 0.00002; gnomAD exomes 0.00004 and 0.00009; TOPMed 0.00006; ExAC 0.00007; ESP Exome Variant Server 0.00015.

Submissions (7):

PreventionGenetics, part of Exact Sciences
Classification: Uncertain significance for PEX11B-related condition. Last evaluated: 2025-09-03. Review status: criteria provided, single submitter. Criteria: ACMG Guidelines, 2015. Collection method: clinical testing. Allele origin: germline.
Comment: The PEX11B c.685C>T variant is predicted to result in the amino acid substitution p.Arg229Cys. To our knowledge, this variant has not been reported in the literature. This variant is reported in 0.015% of alleles in individuals of European (Non-Finnish) descent in gnomAD. At this time, the clinical significance of this variant is uncertain due to the absence of conclusive functional and genetic evidence.

Genomic Medicine Center of Excellence, King Faisal Specialist Hospital and Research Centre
Classification: Uncertain significance for Peroxisome biogenesis disorder 14B. Last evaluated: 2024-12-19. Review status: criteria provided, single submitter. Criteria: ACMG Guidelines, 2015. Collection method: clinical testing. Allele origin: germline.

Labcorp Genetics (formerly Invitae), Labcorp
Classification: Uncertain significance. Last evaluated: 2024-10-16. Review status: criteria provided, single submitter. Criteria: Invitae Variant Classification Sherloc (09022015). Collection method: clinical testing. Allele origin: germline.
Comment: This sequence change replaces arginine, which is basic and polar, with cysteine, which is neutral and slightly polar, at codon 229 of the PEX11B protein (p.Arg229Cys). This variant is present in population databases (rs145202646, gnomAD 0.01%). This variant has not been reported in the literature in individuals affected with PEX11B-related conditions. ClinVar contains an entry for this variant (Variation ID: 497778). An algorithm developed to predict the effect of missense changes on protein structure and function (PolyPhen-2) suggests that this variant is likely to be disruptive. In summary, the available evidence is currently insufficient to determine the role of this variant in disease. Therefore, it has been classified as a Variant of Uncertain Significance.

Blueprint Genetics
Classification: Uncertain significance. Last evaluated: 2023-10-26. Review status: criteria provided, single submitter. Criteria: ACMG Guidelines, 2015. Collection method: clinical testing. Allele origin: germline.

GeneDx
Classification: Uncertain significance. Last evaluated: 2023-06-12. Review status: criteria provided, single submitter. Criteria: GeneDx Variant Classification Process June 2021. Collection method: clinical testing. Allele origin: germline. Affected: yes.
Comment: Not observed at significant frequency in large population cohorts (gnomAD); In silico analysis supports that this missense variant has a deleterious effect on protein structure/function; Has not been previously published as pathogenic or benign to our knowledge

Eurofins Ntd Llc (ga)
Classification: Uncertain significance. Last evaluated: 2016-10-05. Review status: criteria provided, single submitter. Criteria: EGL Classification Definitions 2015. Collection method: clinical testing. Allele origin: germline. Observed: 1 variant allele, 1 heterozygote.

Breakthrough Genomics
Classification: Uncertain significance. Review status: criteria provided, single submitter. Criteria: ACMG Guidelines, 2015. Collection method: not provided. Allele origin: germline. Inheritance: Autosomal recessive inheritance. Affected: yes.

NM_003846.3(PEX11B):c.685C>T (p.Arg229Cys)

Gene: PEX11B (peroxisomal biogenesis factor 11 beta; minus strand). Cytogenetic location: 1q21.1.
Variant type: single nucleotide variant.
Coding change: c.685C>T on transcript NM_003846.3 (MANE Select); coding-DNA position 685, C replaced by T.
Protein change: p.Arg229Cys; replaces arginine 229 with cysteine.
Molecular consequence: missense variant. On other transcripts: non-coding transcript variant (3).
Genome position (GRCh38, 1-based): chr1:145,912,256, G>A on the plus strand (C>T on the coding strand, the complement: PEX11B is on the minus strand). VCF-style: chr1-145912256-G-A. GRCh37 (hg19) VCF-style: chr1-145522824-C-T.
Other names: c.643C>T, p.Arg215Cys (NM_001184795.1); short protein forms R229C, R215C.
Identifiers: ClinVar variation 497778 (VCV000497778.15), dbSNP rs145202646, ClinGen allele CA1055648.